The following is an entry in ClinVar:

ClinVar aggregate classification (germline): Uncertain significance (1 of 4 stars; one submission).

Conditions:
Propionic acidemia (PROP). Also called: HYPERGLYCINEMIA WITH KETOACIDOSIS AND LEUKOPENIA; KETOTIC HYPERGLYCINEMIA; GLYCINEMIA, KETOTIC. Identifiers: Orphanet 35, MedGen C0268579, MONDO:0011628, OMIM 606054, HP:0003571.

Allele frequency attached by ClinVar (database versions not stated): TOPMed below 0.00001.
gnomAD v4.1: 2 of 1,613,242 alleles (0.00012%); highest among the groups gnomAD compares: Admixed American, 0.0017%; no homozygotes.

Submission:

Labcorp Genetics (formerly Invitae), Labcorp
Classification: Uncertain significance for Propionic acidemia. Last evaluated: 2022-06-13. Review status: criteria provided, single submitter. Criteria: Invitae Variant Classification Sherloc (09022015). Collection method: clinical testing. Allele origin: germline.
Comment: This sequence change replaces asparagine, which is neutral and polar, with serine, which is neutral and polar, at codon 344 of the PCCA protein (p.Asn344Ser). This variant is not present in population databases (gnomAD no frequency). This variant has not been reported in the literature in individuals affected with PCCA-related conditions. Advanced modeling of protein sequence and biophysical properties (such as structural, functional, and spatial information, amino acid conservation, physicochemical variation, residue mobility, and thermodynamic stability) performed at Invitae indicates that this missense variant is not expected to disrupt PCCA protein function. In summary, the available evidence is currently insufficient to determine the role of this variant in disease. Therefore, it has been classified as a Variant of Uncertain Significance.

NM_000282.4(PCCA):c.1031A>G (p.Asn344Ser)

Gene: PCCA (propionyl-CoA carboxylase subunit alpha; plus strand). Cytogenetic location: 13q32.3.
Variant type: single nucleotide variant.
Coding change: c.1031A>G on transcript NM_000282.4 (MANE Select); coding-DNA position 1031, A replaced by G.
Protein change: p.Asn344Ser; replaces asparagine 344 with serine.
Molecular consequence: missense variant. On other transcripts: non-coding transcript variant (5).
Genome position (GRCh38, 1-based): chr13:100,273,312, A>G. VCF-style: chr13-100273312-A-G. GRCh37 (hg19) VCF-style: chr13-100925566-A-G.
Other names: c.953A>G, p.Asn318Ser (NM_001127692.3, NM_001352607.2, NM_001352608.2); c.1031A>G, p.Asn344Ser (NM_001178004.2, NM_001352605.2, NM_001352606.2 and 1 more transcripts); c.86A>G, p.Asn29Ser (NM_001352610.2, NM_001352611.2, NM_001352612.2); short protein forms N29S, N318S, N344S.
Identifiers: ClinVar variation 1360174 (VCV001360174.3), dbSNP rs2063430702, ClinGen allele CA388694915.